The following is an entry in ClinVar:

ClinVar aggregate classification (germline): Pathogenic (1 of 4 stars; one submission).

Conditions:
Drash syndrome (DDS). Also called: WILMS TUMOR AND PSEUDO- OR TRUE HERMAPHRODITISM; NEPHROPATHY, WILMS TUMOR, AND GENITAL ANOMALIES. Identifiers: Orphanet 220, MedGen C0950121, MONDO:0008682, OMIM 194080.
Wilms tumor 1 (WT1). Also called: Wilms tumor, somatic. Identifiers: Orphanet 654, MedGen CN033288, MONDO:0008679, OMIM 194070.
11p partial monosomy syndrome (WAGR). Also called: WAGR Spectrum Disorder; CHROMOSOME 11p13 DELETION SYNDROME; WAGR syndrome; WAGR Complex. Identifiers: Orphanet 893, MedGen C0206115, MONDO:0008681, OMIM 194072.
Frasier syndrome. Identifiers: Orphanet 347, MedGen C0950122, MeSH D052159, MONDO:0007635, OMIM 136680.

Submission:

Labcorp Genetics (formerly Invitae), Labcorp
Classification: Pathogenic for Wilms tumor 1; Drash syndrome; 11p partial monosomy syndrome; Frasier syndrome. Last evaluated: 2022-10-25. Review status: criteria provided, single submitter. Criteria: Invitae Variant Classification Sherloc (09022015). Collection method: clinical testing. Allele origin: germline.
Comment: For these reasons, this variant has been classified as Pathogenic. This variant has not been reported in the literature in individuals affected with WT1-related conditions. This variant is not present in population databases (gnomAD no frequency). This sequence change creates a premature translational stop signal (p.Trp146*) in the WT1 gene. It is expected to result in an absent or disrupted protein product. Loss-of-function variants in WT1 are known to be pathogenic (PMID: 15150775).

Literature cited by the submitters: PubMed 15150775.

NM_024426.6(WT1):c.453G>A (p.Trp151Ter)

Genes: WT1 (WT1 transcription factor; minus strand), LOC107982234 (WT1/WT1-AS bi-directional promoter region; plus strand). Cytogenetic location: 11p13.
Variant type: single nucleotide variant.
Coding change: c.453G>A on transcript NM_024426.6 (MANE Select); coding-DNA position 453, G replaced by A.
Protein change: p.Trp151Ter; replaces tryptophan 151 with a stop codon.
Molecular consequence: nonsense. On other transcripts: non-coding transcript variant (1).
Genome position (GRCh38, 1-based): chr11:32,434,908, C>T on the plus strand (G>A on the coding strand, the complement: WT1 is on the minus strand). VCF-style: chr11-32434908-C-T. GRCh37 (hg19) VCF-style: chr11-32456454-C-T.
Other names: c.453G>A, p.Trp151Ter (NM_000378.6, NM_001407044.1, NM_001407045.1 and 6 more transcripts); c.438G>A, p.Trp146Ter (NM_024425.2); short protein forms W146*, W151*.
Identifiers: ClinVar variation 2036794 (VCV002036794.4), dbSNP rs1267712523, ClinGen allele CA379965045.
Genomic context (GRCh38, chr11:32,434,908, plus strand): 5'-GCCGGAAAAGTGGACAGTGAAGGCGCTCAGGCACTGCTCCTCGTGCGGCTCCGCGCCGCC[C>T]CAGCTCGGCTCCTGTTTGATGAAGGAGTGAGGCGGCGGCGGCGGGGGTGGCGGCGGAGCC-3'